The following is an entry in ClinVar:

NM_000095.3(COMP):c.831_851del (p.Asp277_Pro283del)

Gene: COMP (cartilage oligomeric matrix protein; minus strand). Cytogenetic location: 19p13.11.
Variant type: Deletion.
Coding change: c.831_851del on transcript NM_000095.3 (MANE Select); coding-DNA positions 831 to 851, 21 bases deleted (CGAGAAGCTGCGCTGCCCGGA).
Protein change: p.Asp277_Pro283del.
Molecular consequence: inframe deletion.
Genome position (GRCh38, 1-based): chr19:18,788,426-18,788,446, TCCGGGCAGCGCAGCTTCTCG deleted on the plus strand (CGAGAAGCTGCGCTGCCCGGA on the coding strand, the reverse complement: COMP is on the minus strand); deleting any 21 consecutive bases within chr19:18,788,426-18,788,452 gives the same sequence; the c. name uses the placement nearest the transcript's 3' end. VCF-style (leftmost placement, unchanged base first): chr19-18788425-CTCCGGGCAGCGCAGCTTCTCG-C. GRCh37 (hg19) VCF-style: chr19-18899234-CTCCGGGCAGCGCAGCTTCTCG-C.
Identifiers: ClinVar variation 870879 (VCV000870879.43), dbSNP rs2055186059, ClinGen allele CA1139666380.
Genomic context (GRCh38, chr19:18,788,425, plus strand): 5'-CGCCCTCCCTCCTGCCCAAGCCCGCCCCGCTCCGCCCCCACCCACCTTACGGCACTGGCG[CTCCGGGCAGCGCAGCTTCTCG>C]TCCGGGAAGCCGTCTAGGTCAGTGTCGCGACCACAGAGGATCCCGTTGCCGGCCCAGCCA-3'

ClinVar aggregate classification (germline): Conflicting classifications of pathogenicity. Review status: criteria provided, conflicting classifications (1 of 4 stars). 2 submissions from 2 submitters: Pathogenic (1); Uncertain significance (1). Last evaluated 2025-09-23.

Conditions:
COMP-related skeletal dysplasia. Identifiers: MedGen CN379210, MONDO:0100593.

Submissions (2):

Dasa
Classification: Uncertain significance for COMP-related skeletal dysplasia. Last evaluated: 2025-09-23. Review status: criteria provided, single submitter. Criteria: DASA Assertion Criteria. Collection method: clinical testing. Allele origin: germline.
Comment: NM_000095.3(COMP):c.831_851del (p.Asp277_Pro283del) is an in-frame deletion predicted to remove amino acids from aspartic acid at protein position 277 through proline at protein position 283 without shifting the reading frame. This variant has been reported in individuals with COMP-related disorders (PMID: 15756302). Also, this variant is absent from population databases. The currently available literature and clinical evidence are not sufficient to establish a definitive association between this variant and the reported condition. Therefore, this variant is classified as a variant of uncertain significance.

CeGaT Center for Human Genetics Tuebingen
Classification: Pathogenic. Last evaluated: 2017-01-01. Review status: criteria provided, single submitter. Criteria: CeGaT Center For Human Genetics Tuebingen Variant Classification Criteria Version 2. Collection method: clinical testing. Allele origin: germline. Affected: yes. Observed: 1 variant allele.

Literature cited by the submitters: PubMed 15756302 (cited by Dasa).